The following is an entry in ClinVar:

NM_000287.4(PEX6):c.743G>T (p.Arg248Leu)

Gene: PEX6 (peroxisomal biogenesis factor 6; minus strand). Cytogenetic location: 6p21.1.
Variant type: single nucleotide variant.
Coding change: c.743G>T on transcript NM_000287.4 (MANE Select); coding-DNA position 743, G replaced by T.
Protein change: p.Arg248Leu; replaces arginine 248 with leucine.
Molecular consequence: missense variant. On other transcripts: non-coding transcript variant (1), intron variant (1).
Genome position (GRCh38, 1-based): chr6:42,978,408, C>A on the plus strand (G>T on the coding strand, the complement: PEX6 is on the minus strand). VCF-style: chr6-42978408-C-A. GRCh37 (hg19) VCF-style: chr6-42946146-C-A.
Other names: c.618+125G>T (NM_001316313.2); short protein forms R248L.
Identifiers: ClinVar variation 1059112 (VCV001059112.7), dbSNP rs368481812, ClinGen allele CA3811573.
Genomic context (GRCh38, chr6:42,978,408, plus strand): 5'-TCAGCGAGGGGCTCTCCCAGCGGTCCAGAGCCGGGTCCCAGTCTATCAGAGAGGTCCCAG[C>A]GAGGTTCTAGGACCTGCACCCTAGCCAAGTGCGGCTGTGAAGTGTTCGATGACTCTCTGG-3'
Protein context (NP_000278.3, residues 238-258): HLARVQVLEP[Arg248Leu]WDLSDRLGPG

ClinVar aggregate classification (germline): Uncertain significance. Review status: criteria provided, single submitter (1 of 4 stars). 2 submissions from 2 submitters: Uncertain significance (1). 1 of the submissions does not count toward it. Last evaluated 2022-02-03.

Conditions:
Zellweger spectrum disorders (ZS). Also called: Zellweger Spectrum Disorder; Zellweger Spectrum; Zellweger Spectrum Disorder (ZSD); Zellweger syndrome. Identifiers: Orphanet 912, MedGen C0043459, MONDO:0019609.
Peroxisome biogenesis disorder. Identifiers: Orphanet 79189, MedGen C1832200, MONDO:0019234. Disease mechanism: loss of function.

Allele frequency attached by ClinVar (database versions not stated): gnomAD exomes below 0.00001 and 0.00002; ExAC 0.00001.
gnomAD v4.1: 7 of 1,614,176 alleles (0.00043%); highest among the groups gnomAD compares: Admixed American, 0.0083%; no homozygotes.

Submissions (2):

Labcorp Genetics (formerly Invitae), Labcorp
Classification: Uncertain significance for Peroxisome biogenesis disorder. Last evaluated: 2022-02-03. Review status: criteria provided, single submitter. Criteria: Invitae Variant Classification Sherloc (09022015). Collection method: clinical testing. Allele origin: germline.
Comment: This sequence change replaces arginine, which is basic and polar, with leucine, which is neutral and non-polar, at codon 248 of the PEX6 protein (p.Arg248Leu). This variant is present in population databases (rs368481812, gnomAD 0.009%). This variant has not been reported in the literature in individuals affected with PEX6-related conditions. ClinVar contains an entry for this variant (Variation ID: 1059112). Algorithms developed to predict the effect of missense changes on protein structure and function (SIFT, PolyPhen-2, Align-GVGD) all suggest that this variant is likely to be tolerated. In summary, the available evidence is currently insufficient to determine the role of this variant in disease. Therefore, it has been classified as a Variant of Uncertain Significance.

Natera, Inc.
Classification: Uncertain significance for Zellweger syndrome. Last evaluated: 2020-07-28. Review status: no assertion criteria provided. Collection method: clinical testing. Allele origin: germline. Not counted in ClinVar's aggregate classification.